The following is an entry in ClinVar:

NM_001378454.1(ALMS1):c.6833A>G (p.Asn2278Ser)

Gene: ALMS1 (ALMS1 centrosome and basal body associated protein; plus strand). Cytogenetic location: 2p13.1.
Variant type: single nucleotide variant.
Coding change: c.6833A>G on transcript NM_001378454.1 (MANE Select); coding-DNA position 6833, A replaced by G.
Protein change: p.Asn2278Ser; replaces asparagine 2278 with serine.
Molecular consequence: missense variant.
Genome position (GRCh38, 1-based): chr2:73,453,360, A>G. VCF-style: chr2-73453360-A-G. GRCh37 (hg19) VCF-style: chr2-73680487-A-G.
Other names: c.6836A>G, p.Asn2279Ser (NM_015120.4); short protein forms N2278S, N2279S.
Identifiers: ClinVar variation 1189766 (VCV001189766.8), dbSNP rs767464740, ClinGen allele CA1714132.
Genomic context (GRCh38, chr2:73,453,360, plus strand): 5'-CTCTTAAGGAAATTCGGACACTTTTGATGGAGGCAGAAAATATGGCACTGAAACGATGCA[A>G]TTTTCCTGCTCCCCTTGCCCGTTTCAGAGATATTAGTGATATTTCATTTATACAATCTAA-3'
Protein context (NP_001365383.1, residues 2268-2288): EAENMALKRC[Asn2278Ser]FPAPLARFRD

ClinVar aggregate classification (germline): Uncertain significance. Review status: criteria provided, multiple submitters, no conflicts (2 of 4 stars). 5 submissions from 5 submitters: Uncertain significance (4). 1 of the submissions does not count toward it. Last evaluated 2023-07-27.

Conditions:
Alstrom syndrome (ALMS). Identifiers: Orphanet 64, MedGen C0268425, MONDO:0008763, OMIM 203800.
Cardiovascular phenotype. Identifiers: MedGen CN230736.

Allele frequency attached by ClinVar (database versions not stated): gnomAD exomes below 0.00001 and 0.00002; ExAC 0.00003; TOPMed 0.00005.
gnomAD v4.1: 15 of 1,613,692 alleles (0.00093%); highest among the groups gnomAD compares: African/African-American, 0.016%; no homozygotes.

Submissions (5):

Ambry Genetics
Classification: Uncertain significance for Cardiovascular phenotype. Last evaluated: 2023-07-27. Review status: criteria provided, single submitter. Criteria: Ambry Variant Classification Scheme 2023. Collection method: clinical testing. Allele origin: germline.
Comment: The p.N2279S variant (also known as c.6836A>G), located in coding exon 8 of the ALMS1 gene, results from an A to G substitution at nucleotide position 6836. The asparagine at codon 2279 is replaced by serine, an amino acid with highly similar properties. This amino acid position is not well conserved in available vertebrate species. In addition, this alteration is predicted to be tolerated by in silico analysis. Since supporting evidence is limited at this time, the clinical significance of this alteration remains unclear.

Blueprint Genetics
Classification: Uncertain significance. Last evaluated: 2022-10-31. Review status: criteria provided, single submitter. Criteria: ACMG Guidelines, 2015. Collection method: clinical testing. Allele origin: germline.

Labcorp Genetics (formerly Invitae), Labcorp
Classification: Uncertain significance for Alstrom syndrome. Last evaluated: 2022-06-29. Review status: criteria provided, single submitter. Criteria: Invitae Variant Classification Sherloc (09022015). Collection method: clinical testing. Allele origin: germline.
Comment: This sequence change replaces asparagine, which is neutral and polar, with serine, which is neutral and polar, at codon 2279 of the ALMS1 protein (p.Asn2279Ser). This variant is present in population databases (rs767464740, gnomAD 0.03%). This variant has not been reported in the literature in individuals affected with ALMS1-related conditions. ClinVar contains an entry for this variant (Variation ID: 1189766). Experimental studies and prediction algorithms are not available or were not evaluated, and the functional significance of this variant is currently unknown. In summary, the available evidence is currently insufficient to determine the role of this variant in disease. Therefore, it has been classified as a Variant of Uncertain Significance.

GeneDx
Classification: Uncertain significance. Last evaluated: 2021-01-11. Review status: criteria provided, single submitter. Criteria: GeneDx Variant Classification Process June 2021. Collection method: clinical testing. Allele origin: germline. Affected: yes.
Comment: In silico analysis supports that this missense variant does not alter protein structure/function; Has not been previously published as pathogenic or benign to our knowledge

Natera, Inc.
Classification: Uncertain significance for Alstrom syndrome. Last evaluated: 2021-04-26. Review status: no assertion criteria provided. Collection method: clinical testing. Allele origin: germline. Not counted in ClinVar's aggregate classification.